The following is an entry in ClinVar:

ClinVar aggregate classification (germline): Conflicting classifications of pathogenicity. Review status: criteria provided, conflicting classifications (1 of 4 stars). 2 submissions from 2 submitters: Uncertain significance (1); Likely benign (1). Last evaluated 2023-08-30.

Conditions:
Dilated cardiomyopathy 1G (CMD1G). Identifiers: Orphanet 154, MedGen C1858763, MONDO:0011400, OMIM 604145.
Autosomal recessive limb-girdle muscular dystrophy type 2J (LGMDR10). Also called: Limb-girdle muscular dystrophy, type 2J; MUSCULAR DYSTROPHY, LIMB-GIRDLE, AUTOSOMAL RECESSIVE 10. Identifiers: Orphanet 140922, MedGen C1837342, MONDO:0012127, OMIM 608807.
Primary dilated cardiomyopathy (DCM). Also called: Dilated Cardiomyopathy. Identifiers: Orphanet 217604, MedGen C0007193, MeSH D002311, MONDO:0005021, HP:0001644. Inheritance: Various modes of inheritance.

Allele frequency attached by ClinVar (database versions not stated): TOPMed below 0.00001; ExAC 0.00001; gnomAD exomes 0.00001.
gnomAD v4.1: 20 of 1,613,962 alleles (0.0012%); highest among the groups gnomAD compares: Middle Eastern, 0.016%; no homozygotes.

Submissions (2):

Labcorp Genetics (formerly Invitae), Labcorp
Classification: Uncertain significance for Dilated cardiomyopathy 1G; Autosomal recessive limb-girdle muscular dystrophy type 2J. Last evaluated: 2023-08-30. Review status: criteria provided, single submitter. Criteria: Invitae Variant Classification Sherloc (09022015). Collection method: clinical testing. Allele origin: germline.
Comment: This sequence change replaces valine, which is neutral and non-polar, with isoleucine, which is neutral and non-polar, at codon 34514 of the TTN protein (p.Val34514Ile). This variant is present in population databases (rs769311670, gnomAD 0.009%). This variant has not been reported in the literature in individuals affected with TTN-related conditions. ClinVar contains an entry for this variant (Variation ID: 978756). Algorithms developed to predict the effect of missense changes on protein structure and function output the following: SIFT: "Not Available"; PolyPhen-2: "Not Available"; Align-GVGD: "Not Available". The isoleucine amino acid residue is found in multiple mammalian species, which suggests that this missense change does not adversely affect protein function. This variant is located in the M band of TTN (PMID: 25589632). Variants in this region may be relevant for neuromuscular disorders, but have not been definitively shown to cause cardiomyopathy (PMID: 23975875). In summary, the available evidence is currently insufficient to determine the role of this variant in disease. Therefore, it has been classified as a Variant of Uncertain Significance.

Genetics and Genomics Program, Sidra Medicine
Classification: Likely benign for Primary dilated cardiomyopathy. Review status: criteria provided, single submitter. Criteria: ACMG Guidelines, 2015. Collection method: research. Allele origin: unknown. Affected: yes. Observed: 1 variant allele.

Literature cited by the submitters: PubMed 25589632 (cited by Labcorp Genetics (formerly Invitae), Labcorp); PubMed 23975875 (cited by Labcorp Genetics (formerly Invitae), Labcorp).

NM_001267550.2(TTN):c.103540G>A (p.Val34514Ile)

Genes: TTN-AS1 (TTN antisense RNA 1; plus strand), TTN (titin; minus strand). Cytogenetic location: 2q31.2.
Variant type: single nucleotide variant.
Coding change: c.103540G>A on transcript NM_001267550.2 (MANE Select); coding-DNA position 103540, G replaced by A.
Protein change: p.Val34514Ile; replaces valine 34514 with isoleucine.
Molecular consequence: missense variant.
Genome position (GRCh38, 1-based): chr2:178,533,075, C>T on the plus strand (G>A on the coding strand, the complement: TTN is on the minus strand). VCF-style: chr2-178533075-C-T. GRCh37 (hg19) VCF-style: chr2-179397802-C-T.
Other names: c.98617G>A, p.Val32873Ile (NM_001256850.1); c.76345G>A, p.Val25449Ile (NM_003319.4); c.95836G>A, p.Val31946Ile (NM_133378.4); c.76720G>A, p.Val25574Ile (NM_133432.3); c.76921G>A, p.Val25641Ile (NM_133437.4); short protein forms V25449I, V25574I, V25641I, V31946I, V32873I, V34514I.
Identifiers: ClinVar variation 978756 (VCV000978756.7), dbSNP rs769311670, ClinGen allele CA1985588.
Genomic context (GRCh38, chr2:178,533,075, plus strand): 5'-TCTCCTCCTTCTTTTCTTCTATCTCAAGTCTGAATTCCCCTTTTACAGTCTTGGTGCTTA[C>T]AGCCGGTTTATAAAGGACAGCAGCTTCTCTCAGAGCCTCTTTAGCTACCTGTGTCAGTGG-3'
Protein context (NP_001254479.2, residues 34504-34524): REAAVLYKPA[Val34514Ile]STKTVKGEFR